The following is an entry in ClinVar:

ClinVar aggregate classification (germline): Uncertain significance. Review status: criteria provided, multiple submitters, no conflicts (2 of 4 stars). 5 submissions from 5 submitters: Uncertain significance (5). Last evaluated 2026-02-11.

Conditions:
Fanconi anemia (FA). Also called: Fanconi's anemia. Identifiers: Orphanet 84, MedGen C0015625, MeSH D005199, MONDO:0019391.
Inborn genetic diseases. Identifiers: MedGen C0950123, MeSH D030342.
Fanconi anemia complementation group D2. Also called: FANCD2-Related Fanconi Anemia; FANCONI PANCYTOPENIA, TYPE 4; FANCONI ANEMIA, COMPLEMENTATION GROUP D. Identifiers: Orphanet 84, MedGen C3160738, MONDO:0009214, OMIM 227646.

Allele frequency attached by ClinVar (database versions not stated): gnomAD 0.00002; gnomAD exomes below 0.00001 and 0.00001; TOPMed 0.00003.
gnomAD v4.1: 5 of 1,606,132 alleles (0.00031%); highest among the groups gnomAD compares: African/African-American, 0.0054%; no homozygotes.

Submissions (5):

St. Jude Molecular Pathology, St. Jude Children's Research Hospital
Classification: Uncertain significance for Fanconi anemia complementation group D2. Last evaluated: 2026-02-11. Review status: criteria provided, single submitter. Criteria: St. Jude Assertion Criteria 2020. Collection method: clinical testing. Allele origin: germline.
Comment: The FANCD2 c.3226A>G p.(Ser1076Gly) missense change has a maximum subpopulation frequency of 0.012% in gnomAD v2.1.1. The in silico tool REVEL predicts a benign effect on protein function, but to our knowledge this prediction has not been confirmed by functional studies. To our knowledge, this variant has not been reported in individuals with FANCD2-related Fanconi anemia. In summary, the evidence currently available is insufficient to determine the clinical significance of this variant. It has therefore been classified as of uncertain significance.

Ambry Genetics
Classification: Uncertain significance for Inborn genetic diseases. Last evaluated: 2025-03-22. Review status: criteria provided, single submitter. Criteria: Ambry Variant Classification Scheme 2023. Collection method: clinical testing. Allele origin: germline.

Labcorp Genetics (formerly Invitae), Labcorp
Classification: Uncertain significance for Fanconi anemia. Last evaluated: 2024-09-15. Review status: criteria provided, single submitter. Criteria: Invitae Variant Classification Sherloc (09022015). Collection method: clinical testing. Allele origin: germline.
Comment: This sequence change replaces serine, which is neutral and polar, with glycine, which is neutral and non-polar, at codon 1076 of the FANCD2 protein (p.Ser1076Gly). This variant is present in population databases (no rsID available, gnomAD 0.02%). This variant has not been reported in the literature in individuals affected with FANCD2-related conditions. ClinVar contains an entry for this variant (Variation ID: 1400313). An algorithm developed to predict the effect of missense changes on protein structure and function outputs the following: PolyPhen-2: "Benign". The glycine amino acid residue is found in multiple mammalian species, which suggests that this missense change does not adversely affect protein function. In summary, the available evidence is currently insufficient to determine the role of this variant in disease. Therefore, it has been classified as a Variant of Uncertain Significance.

Fulgent Genetics
Classification: Uncertain significance for Fanconi anemia complementation group D2. Last evaluated: 2022-04-30. Review status: criteria provided, single submitter. Criteria: ACMG Guidelines, 2015. Collection method: clinical testing. Allele origin: unknown.

Sema4
Classification: Uncertain significance for Fanconi anemia. Last evaluated: 2022-02-24. Review status: criteria provided, single submitter. Criteria: Sema4 Curation Guidelines. Collection method: curation. Allele origin: germline.
Comment: The FANCD2 c.3226A>G (p.S1076G) variant has not been reported in the literature to our knowledge. This variant was observed in 3/24962 chromosomes in the African/African American population according to the Genome Aggregation Database (PMID: 32461654). The variant has not been reported in ClinVar. In silico tools suggest the impact of the variant on protein function is benign, though these predictions have not been confirmed by functional studies. The evidence is insufficient to meet ACMG/AMP criteria for classifying the variant as benign or pathogenic. Thus, the clinical significance of this variant is currently uncertain.

NM_001018115.3(FANCD2):c.3226A>G (p.Ser1076Gly)

Genes: FANCD2 (FA complementation group D2; plus strand), FANCD2OS (FANCD2 opposite strand; minus strand). Cytogenetic location: 3p25.3.
Variant type: single nucleotide variant.
Coding change: c.3226A>G on transcript NM_001018115.3 (MANE Select); coding-DNA position 3226, A replaced by G.
Protein change: p.Ser1076Gly; replaces serine 1076 with glycine.
Molecular consequence: missense variant. On other transcripts: intron variant (1).
Genome position (GRCh38, 1-based): chr3:10,085,813, A>G. VCF-style: chr3-10085813-A-G. GRCh37 (hg19) VCF-style: chr3-10127497-A-G.
Other names: c.3226A>G, p.Ser1076Gly (NM_001319984.2, NM_001374254.1, NM_033084.6); c.3115A>G, p.Ser1039Gly (NM_001374253.1); c.*44-4282T>C (NM_173472.2); short protein forms S1076G, S1039G.
Identifiers: ClinVar variation 1400313 (VCV001400313.47), dbSNP rs1371349116, ClinGen allele CA351750767.
Genomic context (GRCh38, chr3:10,085,813, plus strand): 5'-ATACTATCCAAGTAGTTTTCCAGAAACTAAGCTAACCCCTCTTACCTTGACTTCCTTAGG[A>G]GTGGATTTTCTCAACCTGAAAATCAGAATTTACTGTATTCAGCCCTCCATGTCCTTAGTA-3'
Protein context (NP_001018125.1, residues 1066-1086): LQIFHGLFAW[Ser1076Gly]GFSQPENQNL